The following is an entry in ClinVar:

NM_000214.3(JAG1):c.2318G>A (p.Gly773Asp)

Gene: JAG1 (jagged canonical Notch ligand 1; minus strand). Cytogenetic location: 20p12.2.
Variant type: single nucleotide variant.
Coding change: c.2318G>A on transcript NM_000214.3 (MANE Select); coding-DNA position 2318, G replaced by A.
Protein change: p.Gly773Asp; replaces glycine 773 with aspartic acid.
Molecular consequence: missense variant.
Genome position (GRCh38, 1-based): chr20:10,644,889, C>T on the plus strand (G>A on the coding strand, the complement: JAG1 is on the minus strand). VCF-style: chr20-10644889-C-T. GRCh37 (hg19) VCF-style: chr20-10625537-C-T.
Other names: short protein forms G773D.
Identifiers: ClinVar variation 3230616 (VCV003230616.1), dbSNP rs2514512876, ClinGen allele CA408234891.
Genomic context (GRCh38, chr20:10,644,889, plus strand): 5'-GCCCTGGGAGAGTTCAAGGGGGGAGGACACTCACTCTGAGCACAGATGGGCCCCTCCCAG[C>T]CTTCCTTGCAGACGCACGTAAAGGACTCGCCGTTGACCACACATGTGCCCCCATTATGGC-3'
Protein context (NP_000205.1, residues 763-783): GESFTCVCKE[Gly773Asp]WEGPICAQNT

ClinVar aggregate classification (germline): Uncertain significance (1 of 4 stars; one submission).

Conditions:
Cardiovascular phenotype. Identifiers: MedGen CN230736.

Submission:

Ambry Genetics
Classification: Uncertain significance for Cardiovascular phenotype. Last evaluated: 2023-12-11. Review status: criteria provided, single submitter. Criteria: Ambry Variant Classification Scheme 2023. Collection method: clinical testing. Allele origin: germline.
Comment: The p.G773D variant (also known as c.2318G>A), located in coding exon 18 of the JAG1 gene, results from a G to A substitution at nucleotide position 2318. The glycine at codon 773 is replaced by aspartic acid, an amino acid with similar properties. This amino acid position is conserved. In addition, this alteration is predicted to be deleterious by in silico analysis. Since supporting evidence is limited at this time, the clinical significance of this alteration remains unclear.